The following is an entry in ClinVar:

NM_152594.3(SPRED1):c.379T>G (p.Cys127Gly)

Gene: SPRED1 (sprouty related EVH1 domain containing 1; plus strand). Cytogenetic location: 15q14.
Variant type: single nucleotide variant.
Coding change: c.379T>G on transcript NM_152594.3 (MANE Select); coding-DNA position 379, T replaced by G.
Protein change: p.Cys127Gly; replaces cysteine 127 with glycine.
Molecular consequence: missense variant.
Genome position (GRCh38, 1-based): chr15:38,324,765, T>G. VCF-style: chr15-38324765-T-G. GRCh37 (hg19) VCF-style: chr15-38616966-T-G.
Other names: short protein forms C127G.
Identifiers: ClinVar variation 3961359 (VCV003961359.1).

ClinVar aggregate classification (germline): Uncertain significance (1 of 4 stars; one submission).

Conditions:
Cardiovascular phenotype. Identifiers: MedGen CN230736.

Submission:

Ambry Genetics
Classification: Uncertain significance for Cardiovascular phenotype. Last evaluated: 2025-03-17. Review status: criteria provided, single submitter. Criteria: Ambry Variant Classification Scheme 2023. Collection method: clinical testing. Allele origin: germline.
Comment: The p.C127G variant (also known as c.379T>G), located in coding exon 4 of the SPRED1 gene, results from a T to G substitution at nucleotide position 379. The cysteine at codon 127 is replaced by glycine, an amino acid with highly dissimilar properties. This amino acid position is conserved. In addition, this alteration is predicted to be deleterious by in silico analysis. Based on the available evidence, the clinical significance of this variant remains unclear.